The following is an entry in ClinVar:

NM_015102.5(NPHP4):c.3223_3224delinsTG (p.Met1075Trp)

Gene: NPHP4 (nephrocystin 4; minus strand). Cytogenetic location: 1p36.31.
Variant type: Indel.
Coding change: c.3223_3224delinsTG on transcript NM_015102.5 (MANE Select); coding-DNA positions 3223 to 3224, AT replaced by TG.
Protein change: p.Met1075Trp; replaces methionine 1075 with tryptophan.
Molecular consequence: missense variant. On other transcripts: non-coding transcript variant (1).
Genome position (GRCh38, 1-based): chr1:5,874,478-5,874,479, AT replaced by CA on the plus strand (AT replaced by TG on the coding strand, the reverse complement: NPHP4 is on the minus strand). VCF-style: chr1-5874478-AT-CA. GRCh37 (hg19) VCF-style: chr1-5934538-AT-CA.
Other names: c.1684_1685delinsTG, p.Met562Trp (NM_001291593.2); c.1687_1688delinsTG, p.Met563Trp (NM_001291594.2); short protein forms M1075W, M563W, M562W.
Identifiers: ClinVar variation 2097950 (VCV002097950.4), dbSNP rs2523113287, ClinGen allele CA2580062522.

ClinVar aggregate classification (germline): Uncertain significance (1 of 4 stars; one submission).

Conditions:
Nephronophthisis. Also called: Juvenile Nephronophthisis. Identifiers: Orphanet 655, MedGen C0687120, MONDO:0019005, HP:0000090.

Submission:

Labcorp Genetics (formerly Invitae), Labcorp
Classification: Uncertain significance for Nephronophthisis. Last evaluated: 2026-01-09. Review status: criteria provided, single submitter. Criteria: Invitae Variant Classification Sherloc (09022015). Collection method: clinical testing. Allele origin: germline.
Comment: This sequence change replaces methionine, which is neutral and non-polar, with tryptophan, which is neutral and slightly polar, at codon 1075 of the NPHP4 protein (p.Met1075Trp). Information on the frequency of this variant in the gnomAD database is not available, as this variant may be reported differently in the database. This variant has not been reported in the literature in individuals affected with NPHP4-related conditions. ClinVar contains an entry for this variant (Variation ID: 2097950). An algorithm developed to predict the effect of missense changes on protein structure and function (PolyPhen-2) suggests that this variant is likely to be disruptive. In summary, the available evidence is currently insufficient to determine the role of this variant in disease. Therefore, it has been classified as a Variant of Uncertain Significance.